The following is an entry in ClinVar:

ClinVar aggregate classification (germline): Conflicting classifications of pathogenicity. Review status: criteria provided, conflicting classifications (1 of 4 stars). 2 submissions from 2 submitters: Uncertain significance (1); Likely benign (1). Last evaluated 2023-03-23.

Conditions:
Hereditary breast ovarian cancer syndrome. Also called: BRCA1- and BRCA2-Associated Hereditary Breast and Ovarian Cancer; Hereditary breast and ovarian cancer; Hereditary breast and ovarian cancer syndrome; Breast and ovarian cancer; Hereditary breast and/or ovarian cancer syndrome; Hereditary breast and ovarian cancer syndrome (HBOC). Identifiers: Orphanet 145, MedGen C0677776, MeSH D061325, MONDO:0003582. Disease mechanism: loss of function.
Hereditary cancer-predisposing syndrome. Also called: Tumor predisposition; Hereditary neoplastic syndrome; Neoplastic Syndromes, Hereditary; Hereditary Cancer Syndrome. Identifiers: Orphanet 140162, MedGen C0027672, MeSH D009386, MONDO:0015356.

Submissions (2):

University of Washington Department of Laboratory Medicine, University of Washington
Classification: Likely benign for Hereditary cancer-predisposing syndrome. Last evaluated: 2023-03-23. Review status: criteria provided, single submitter. Criteria: Dines et al. (Genet Med. 2020). Collection method: curation. Allele origin: germline.
Comment: Missense variant in a coldspot region where missense variants are very unlikely to be pathogenic (PMID:31911673).

BRCA2 exon 10 coldspot. Reclassification based on statistical prior probability.

Labcorp Genetics (formerly Invitae), Labcorp
Classification: Uncertain significance for Hereditary breast ovarian cancer syndrome. Last evaluated: 2020-03-17. Review status: criteria provided, single submitter. Criteria: Invitae Variant Classification Sherloc (09022015). Collection method: clinical testing. Allele origin: germline.
Comment: In summary, the available evidence is currently insufficient to determine the role of this variant in disease. Therefore, it has been classified as a Variant of Uncertain Significance. Algorithms developed to predict the effect of missense changes on protein structure and function output the following: SIFT: "Deleterious"; PolyPhen-2: "Benign"; Align-GVGD: "Class C15". The proline amino acid residue is found in multiple mammalian species, suggesting that this missense change does not adversely affect protein function. These predictions have not been confirmed by published functional studies and their clinical significance is uncertain. This variant has not been reported in the literature in individuals with BRCA2-related conditions. This variant is not present in population databases (ExAC no frequency). This sequence change replaces glutamine with proline at codon 321 of the BRCA2 protein (p.Gln321Pro). The glutamine residue is moderately conserved and there is a moderate physicochemical difference between glutamine and proline.

NM_000059.4(BRCA2):c.962A>C (p.Gln321Pro)

Gene: BRCA2 (BRCA2 DNA repair associated; plus strand). Cytogenetic location: 13q13.1.
Variant type: single nucleotide variant.
Coding change: c.962A>C on transcript NM_000059.4 (MANE Select); coding-DNA position 962, A replaced by C.
Protein change: p.Gln321Pro; replaces glutamine 321 with proline.
Molecular consequence: missense variant.
Genome position (GRCh38, 1-based): chr13:32,332,440, A>C. VCF-style: chr13-32332440-A-C. GRCh37 (hg19) VCF-style: chr13-32906577-A-C.
Other names: short protein forms Q321P.
Identifiers: ClinVar variation 1010616 (VCV001010616.10), dbSNP rs2072401397, ClinGen allele CA387760889.